The following is an entry in ClinVar:

ClinVar aggregate classification (germline): Uncertain significance. Review status: criteria provided, multiple submitters, no conflicts (2 of 4 stars). 3 submissions from 3 submitters: Uncertain significance (3). Last evaluated 2024-03-22.

Conditions:
Kabuki syndrome 1 (KABUK1). Also called: KMT2D-Related Kabuki Syndrome. Identifiers: Orphanet 2322, MedGen CN030661, MONDO:0007843, OMIM 147920.
Choanal atresia-athelia-hypothyroidism-delayed puberty-short stature syndrome (BCAHH). Also called: BRANCHIAL ARCH ABNORMALITIES, CHOANAL ATRESIA, ATHELIA, HEARING LOSS, AND HYPOTHYROIDISM SYNDROME. Identifiers: Orphanet 589856, MedGen C5680310, MONDO:0035651, OMIM 620186.
Inborn genetic diseases. Identifiers: MedGen C0950123, MeSH D030342.
Kabuki syndrome. Also called: Kabuki make-up syndrome; NIIKAWA-KUROKI SYNDROME. Identifiers: Orphanet 2322, MedGen C0796004, MONDO:0016512.

Allele frequency attached by ClinVar (database versions not stated): gnomAD 0.00001; TOPMed 0.00001.
gnomAD v4.1: 3 of 1,613,430 alleles (0.00019%); highest among the groups gnomAD compares: Non-Finnish European, 0.00025%; no homozygotes.

Submissions (3):

Fulgent Genetics
Classification: Uncertain significance for Kabuki syndrome 1; Choanal atresia-athelia-hypothyroidism-delayed puberty-short stature syndrome. Last evaluated: 2024-03-22. Review status: criteria provided, single submitter. Criteria: ACMG Guidelines, 2015. Collection method: clinical testing. Allele origin: germline.

Ambry Genetics
Classification: Uncertain significance for Inborn genetic diseases. Last evaluated: 2023-03-01. Review status: criteria provided, single submitter. Criteria: Ambry Variant Classification Scheme 2023. Collection method: clinical testing. Allele origin: germline.

Labcorp Genetics (formerly Invitae), Labcorp
Classification: Uncertain significance for Kabuki syndrome. Last evaluated: 2022-04-06. Review status: criteria provided, single submitter. Criteria: Invitae Variant Classification Sherloc (09022015). Collection method: clinical testing. Allele origin: germline.
Comment: In summary, the available evidence is currently insufficient to determine the role of this variant in disease. Therefore, it has been classified as a Variant of Uncertain Significance. Advanced modeling of protein sequence and biophysical properties (such as structural, functional, and spatial information, amino acid conservation, physicochemical variation, residue mobility, and thermodynamic stability) performed at Invitae indicates that this missense variant is not expected to disrupt KMT2D protein function. This variant has not been reported in the literature in individuals affected with KMT2D-related conditions. This variant is not present in population databases (gnomAD no frequency). This sequence change replaces leucine, which is neutral and non-polar, with valine, which is neutral and non-polar, at codon 743 of the KMT2D protein (p.Leu743Val).

NM_003482.4(KMT2D):c.2227C>G (p.Leu743Val)

Gene: KMT2D (lysine methyltransferase 2D; minus strand). Cytogenetic location: 12q13.12.
Variant type: single nucleotide variant.
Coding change: c.2227C>G on transcript NM_003482.4 (MANE Select); coding-DNA position 2227, C replaced by G.
Protein change: p.Leu743Val; replaces leucine 743 with valine.
Molecular consequence: missense variant.
Genome position (GRCh38, 1-based): chr12:49,051,456, G>C on the plus strand (C>G on the coding strand, the complement: KMT2D is on the minus strand). VCF-style: chr12-49051456-G-C. GRCh37 (hg19) VCF-style: chr12-49445239-G-C.
Other names: short protein forms L743V.
Identifiers: ClinVar variation 1937971 (VCV001937971.8), dbSNP rs1226573244, ClinGen allele CA384667401.